The following is an entry in ClinVar:

NM_020461.4(TUBGCP6):c.4485C>T (p.His1495=)

Gene: TUBGCP6 (tubulin gamma complex component 6; minus strand). Cytogenetic location: 22q13.33.
Variant type: single nucleotide variant.
Coding change: c.4485C>T on transcript NM_020461.4 (MANE Select); coding-DNA position 4485, C replaced by T.
Protein change: p.His1495=; no amino-acid change (histidine 1495 retained).
Molecular consequence: synonymous variant.
Genome position (GRCh38, 1-based): chr22:50,219,209, G>A on the plus strand (C>T on the coding strand, the complement: TUBGCP6 is on the minus strand). VCF-style: chr22-50219209-G-A. GRCh37 (hg19) VCF-style: chr22-50657638-G-A.
Identifiers: ClinVar variation 1460483 (VCV001460483.4), dbSNP rs143934743, ClinGen allele CA10307470.

ClinVar aggregate classification (germline): Uncertain significance (1 of 4 stars; one submission).

Allele frequency attached by ClinVar (database versions not stated): gnomAD exomes below 0.00001 and 0.00004; ExAC 0.00004; gnomAD 0.00007; TOPMed 0.00012; 1000 Genomes Project 0.00020; 1000 Genomes Project 30x 0.00031; ESP Exome Variant Server 0.00031.
gnomAD v4.1: 17 of 1,611,054 alleles (0.0011%); highest among the groups gnomAD compares: African/African-American, 0.021%; no homozygotes.

Submission:

Labcorp Genetics (formerly Invitae), Labcorp
Classification: Uncertain significance. Last evaluated: 2022-07-12. Review status: criteria provided, single submitter. Criteria: Invitae Variant Classification Sherloc (09022015). Collection method: clinical testing. Allele origin: germline.
Comment: In summary, the available evidence is currently insufficient to determine the role of this variant in disease. Therefore, it has been classified as a Variant of Uncertain Significance. Algorithms developed to predict the effect of sequence changes on RNA splicing suggest that this variant may create or strengthen a splice site. ClinVar contains an entry for this variant (Variation ID: 1460483). This variant has not been reported in the literature in individuals affected with TUBGCP6-related conditions. This variant is present in population databases (rs143934743, gnomAD 0.06%). This sequence change affects codon 1495 of the TUBGCP6 mRNA. It is a 'silent' change, meaning that it does not change the encoded amino acid sequence of the TUBGCP6 protein. It affects a nucleotide within the consensus splice site.